The following is an entry in ClinVar:

NM_003060.4(SLC22A5):c.1116C>G (p.Ile372Met)

Gene: SLC22A5 (solute carrier family 22 member 5; plus strand). Cytogenetic location: 5q31.1.
Variant type: single nucleotide variant.
Coding change: c.1116C>G on transcript NM_003060.4 (MANE Select); coding-DNA position 1116, C replaced by G.
Protein change: p.Ile372Met; replaces isoleucine 372 with methionine.
Molecular consequence: missense variant.
Genome position (GRCh38, 1-based): chr5:132,390,753, C>G. VCF-style: chr5-132390753-C-G. GRCh37 (hg19) VCF-style: chr5-131726445-C-G.
Other names: p.Ile372Met; c.1188C>G, p.Ile396Met (NM_001308122.2); short protein forms I396M, I372M.
Identifiers: ClinVar variation 1353033 (VCV001353033.5), dbSNP rs753461448, ClinGen allele CA3404083.

ClinVar aggregate classification (germline): Uncertain significance. Review status: criteria provided, multiple submitters, no conflicts (2 of 4 stars). 2 submissions from 2 submitters: Uncertain significance (2). Last evaluated 2022-10-03.

Conditions:
Renal carnitine transport defect (CDSP). Also called: Carnitine Deficiency, Systemic; Systemic primary carnitine deficiency disease; CARNITINE DEFICIENCY, SYSTEMIC, DUE TO DEFECT IN RENAL REABSORPTION OF CARNITINE; CARNITINE TRANSPORTER, PLASMA-MEMBRANE, DEFICIENCY OF; CARNITINE UPTAKE DEFECT; Primary carnitine deficiency. Identifiers: Orphanet 158, MedGen C0342788, MONDO:0008919, OMIM 212140.

Allele frequency attached by ClinVar (database versions not stated): gnomAD exomes below 0.00001 and 0.00001; ExAC 0.00001.
gnomAD v4.1: 2 of 1,614,248 alleles (0.00012%); highest among the groups gnomAD compares: Middle Eastern, 0.016%; no homozygotes.

Submissions (2):

Giacomini Lab, University of California, San Francisco
Classification: Uncertain significance for Renal carnitine transport defect. Last evaluated: 2022-10-03. Review status: criteria provided, single submitter. Criteria: ACMG Guidelines, 2015. Collection method: research, in vitro. Allele origin: germline, not applicable.

Labcorp Genetics (formerly Invitae), Labcorp
Classification: Uncertain significance for Renal carnitine transport defect. Last evaluated: 2021-11-29. Review status: criteria provided, single submitter. Criteria: Invitae Variant Classification Sherloc (09022015). Collection method: clinical testing. Allele origin: germline.
Comment: This sequence change replaces isoleucine, which is neutral and non-polar, with methionine, which is neutral and non-polar, at codon 372 of the SLC22A5 protein (p.Ile372Met). This variant is present in population databases (rs753461448, gnomAD 0.006%). This variant has not been reported in the literature in individuals affected with SLC22A5-related conditions. Advanced modeling of protein sequence and biophysical properties (such as structural, functional, and spatial information, amino acid conservation, physicochemical variation, residue mobility, and thermodynamic stability) performed at Invitae indicates that this missense variant is not expected to disrupt SLC22A5 protein function. In summary, the available evidence is currently insufficient to determine the role of this variant in disease. Therefore, it has been classified as a Variant of Uncertain Significance.